The following is an entry in ClinVar:

NM_001271938.2(MEGF8):c.4831-124C>T

Gene: MEGF8 (multiple EGF like domains 8; plus strand). Cytogenetic location: 19q13.2.
Variant type: single nucleotide variant.
Coding change: c.4831-124C>T on transcript NM_001271938.2 (MANE Select); 124 bases into the intron before coding-DNA position 4831, C replaced by T.
Molecular consequence: intron variant.
Genome position (GRCh38, 1-based): chr19:42,357,280, C>T. VCF-style: chr19-42357280-C-T. GRCh37 (hg19) VCF-style: chr19-42861432-C-T.
Other names: c.4630-124C>T (NM_001410.3).
Identifiers: ClinVar variation 1686692 (VCV001686692.2), dbSNP rs137950266, ClinGen allele CA308640552.

ClinVar aggregate classification (germline): Likely benign (1 of 4 stars; one submission).

Allele frequency attached by ClinVar (database versions not stated): gnomAD exomes 0.00046; 1000 Genomes Project 30x 0.00312; 1000 Genomes Project 0.00319; gnomAD 0.00369 and 0.00406; TOPMed 0.00390.
gnomAD v4.1: 1,098 of 1,246,094 alleles (0.088%); highest among the groups gnomAD compares: African/African-American, 1.2%; 10 homozygotes.

Submission:

GeneDx
Classification: Likely benign. Last evaluated: 2021-10-17. Review status: criteria provided, single submitter. Criteria: GeneDx Variant Classification Process June 2021. Collection method: clinical testing. Allele origin: germline. Affected: yes.
Comment: See Variant Classification Assertion Criteria.